The following is an entry in ClinVar:

ClinVar aggregate classification (germline): Benign/Likely benign. Review status: criteria provided, multiple submitters, no conflicts (2 of 4 stars). 4 submissions from 4 submitters: Benign (2); Likely benign (2). Last evaluated 2026-01-22.

Allele frequency attached by ClinVar (database versions not stated): gnomAD exomes 0.00062 and 0.00154; ExAC 0.00204; 1000 Genomes Project 0.00619; gnomAD 0.00682 and 0.00736; 1000 Genomes Project 30x 0.00687; TOPMed 0.00744.
gnomAD v4.1: 1,984 of 1,600,874 alleles (0.12%); highest among the groups gnomAD compares: African/African-American, 2.4%; 70 homozygotes.

Submissions (4):

Women's Health and Genetics/Laboratory Corporation of America, LabCorp
Classification: Likely benign. Last evaluated: 2026-01-22. Review status: criteria provided, single submitter. Criteria: LabCorp Variant Classification Summary - May 2015. Collection method: clinical testing. Allele origin: germline.

Mayo Clinic Laboratories, Mayo Clinic
Classification: Benign. Last evaluated: 2024-12-26. Review status: criteria provided, single submitter. Criteria: ACMG Guidelines, 2015. Collection method: clinical testing. Allele origin: germline. Observed: 33 variant alleles.
Comment: BS1, BS2, BP1, BP4_moderate

Genetic Services Laboratory, University of Chicago
Classification: Benign. Last evaluated: 2019-05-14. Review status: criteria provided, single submitter. Criteria: ACMG Guidelines, 2015. Collection method: clinical testing. Allele origin: germline. Affected: no.

Breakthrough Genomics
Classification: Likely benign. Review status: criteria provided, single submitter. Criteria: ACMG Guidelines, 2015. Collection method: not provided. Allele origin: germline. Inheritance: Unknown mechanism. Affected: yes.

NM_001201550.3(CFHR4):c.277G>A (p.Val93Ile)

Gene: CFHR4 (complement factor H related 4; plus strand). Cytogenetic location: 1q31.3.
Variant type: single nucleotide variant.
Coding change: c.277G>A on transcript NM_001201550.3 (MANE Select); coding-DNA position 277, G replaced by A.
Protein change: p.Val93Ile; replaces valine 93 with isoleucine.
Molecular consequence: missense variant. On other transcripts: intron variant (1).
Genome position (GRCh38, 1-based): chr1:196,905,128, G>A. VCF-style: chr1-196905128-G-A. GRCh37 (hg19) VCF-style: chr1-196874258-G-A.
Other names: p.Val92Ile; c.274G>A, p.Val92Ile (NM_001201551.2); c.256+2513G>A (NM_006684.5); short protein forms V92I, V93I.
Identifiers: ClinVar variation 1336564 (VCV001336564.7), dbSNP rs150254054, ClinGen allele CA1306784.